The following is an entry in ClinVar:

ClinVar aggregate classification (germline): Conflicting classifications of pathogenicity. Review status: criteria provided, conflicting classifications (1 of 4 stars). 3 submissions from 3 submitters: Pathogenic (1); Likely pathogenic (1); Uncertain significance (1). Last evaluated 2026-03-25.

Conditions:
Adenylosuccinate lyase deficiency (ADSLD). Also called: ADSL DEFICIENCY. Identifiers: Orphanet 46, MedGen C0268126, MONDO:0007068, OMIM 103050.

Allele frequency attached by ClinVar (database versions not stated): gnomAD exomes below 0.00001.
gnomAD v4.1: 1 of 1,603,100 alleles (0.000062%); highest among the groups gnomAD compares: Non-Finnish European, 0.000085%; no homozygotes.

Submissions (3):

GeneDx
Classification: Pathogenic. Last evaluated: 2026-03-25. Review status: criteria provided, single submitter. Criteria: GeneDx Variant Classification Process June 2021. Collection method: clinical testing. Allele origin: germline. Affected: yes.
Comment: Canonical splice site variant predicted to result in a null allele in a gene for which loss of function is a known mechanism of disease; Not observed at significant frequency in large population cohorts (gnomAD); Has not been previously published as pathogenic or benign to our knowledge

Labcorp Genetics (formerly Invitae), Labcorp
Classification: Likely pathogenic for Adenylosuccinate lyase deficiency. Last evaluated: 2022-02-20. Review status: criteria provided, single submitter. Criteria: Invitae Variant Classification Sherloc (09022015). Collection method: clinical testing. Allele origin: germline.
Comment: This sequence change affects a donor splice site in intron 1 of the ADSL gene. It is expected to disrupt RNA splicing. Variants that disrupt the donor or acceptor splice site typically lead to a loss of protein function (PMID: 16199547), and loss-of-function variants in ADSL are known to be pathogenic (PMID: 10888601, 20177786). This variant is not present in population databases (gnomAD no frequency). This variant has not been reported in the literature in individuals affected with ADSL-related conditions. ClinVar contains an entry for this variant (Variation ID: 449773). Algorithms developed to predict the effect of sequence changes on RNA splicing suggest that this variant may disrupt the consensus splice site. In summary, the currently available evidence indicates that the variant is pathogenic, but additional data are needed to prove that conclusively. Therefore, this variant has been classified as Likely Pathogenic.

Laboratory for Molecular Medicine, Mass General Brigham Personalized Medicine
Classification: Uncertain significance. Last evaluated: 2017-04-28. Review status: criteria provided, single submitter. Criteria: LMM Criteria. Collection method: clinical testing. Allele origin: germline. Observed: 1 variant allele.
Comment: The c.153+1G>T (NM_000026.2 c.153+1G>T) variant in ADSL has not been reported in individuals with clinical features of adenylosuccinate lyase deficiency, and wa s absent from large population studies. This variant occurs in the invariant reg ion (+/- 1,2) of the splice donor consensus sequence of exon 1 and would be pred icted to cause altered splicing. However, exon 1 is not always transcribed and/ or translated such that the impact of this variant is less certain. In summary, additional data are required to determine the clinical significance of this var iant.

Literature cited by the submitters: PubMed 16199547 (cited by Labcorp Genetics (formerly Invitae), Labcorp); PubMed 10888601 (cited by Labcorp Genetics (formerly Invitae), Labcorp); PubMed 20177786 (cited by Labcorp Genetics (formerly Invitae), Labcorp).

NM_000026.4(ADSL):c.153+1G>T

Gene: ADSL (adenylosuccinate lyase; plus strand). Cytogenetic location: 22q13.1.
Variant type: single nucleotide variant.
Coding change: c.153+1G>T on transcript NM_000026.4 (MANE Select); the canonical splice donor site of the intron after coding-DNA position 153, G replaced by T.
Molecular consequence: splice donor variant. On other transcripts: intron variant (1).
Genome position (GRCh38, 1-based): chr22:40,346,712, G>T. VCF-style: chr22-40346712-G-T. GRCh37 (hg19) VCF-style: chr22-40742716-G-T.
Other names: c.153+1G>T (NM_001363840.3, NM_001410812.1, NM_001123378.3 and 2 more transcripts); c.-40+56G>T (NM_001317923.2).
Identifiers: ClinVar variation 449773 (VCV000449773.11), dbSNP rs1555903969, ClinGen allele CA411632938.